The following is an entry in ClinVar:

NM_144997.7(FLCN):c.863A>G (p.Lys288Arg)

Gene: FLCN (folliculin; minus strand). Cytogenetic location: 17p11.2.
Variant type: single nucleotide variant.
Coding change: c.863A>G on transcript NM_144997.7 (MANE Select); coding-DNA position 863, A replaced by G.
Protein change: p.Lys288Arg; replaces lysine 288 with arginine.
Molecular consequence: missense variant.
Genome position (GRCh38, 1-based): chr17:17,221,545, T>C on the plus strand (A>G on the coding strand, the complement: FLCN is on the minus strand). VCF-style: chr17-17221545-T-C. GRCh37 (hg19) VCF-style: chr17-17124859-T-C.
Other names: c.917A>G, p.Lys306Arg (NM_001353229.2); c.863A>G, p.Lys288Arg (NM_001353230.2, NM_001353231.2, NM_144606.7); short protein forms K288R, K306R.
Identifiers: ClinVar variation 5021834 (VCV005021834.1).

ClinVar aggregate classification (germline): Uncertain significance (1 of 4 stars; one submission).

Conditions:
Hereditary cancer-predisposing syndrome. Also called: Neoplastic Syndromes, Hereditary; Tumor predisposition; Hereditary neoplastic syndrome; Hereditary Cancer Syndrome. Identifiers: Orphanet 140162, MedGen C0027672, MeSH D009386, MONDO:0015356.

gnomAD v4.1: 3 of 1,613,234 alleles (0.00019%); highest among the groups gnomAD compares: Non-Finnish European, 0.00025%; no homozygotes.

Submission:

Ambry Genetics
Classification: Uncertain significance for Hereditary cancer-predisposing syndrome. Last evaluated: 2026-07-06. Review status: criteria provided, single submitter. Criteria: Ambry Variant Classification Scheme 2023. Collection method: clinical testing. Allele origin: germline.
Comment: The p.K288R variant (also known as c.863A>G), located in coding exon 5 of the FLCN gene, results from an A to G substitution at nucleotide position 863. The lysine at codon 288 is replaced by arginine, an amino acid with highly similar properties. This amino acid position is conserved. In addition, this alteration is predicted to be tolerated by in silico analysis. Based on the available evidence, the clinical significance of this variant remains unclear.